The following is an entry in ClinVar:

ClinVar aggregate classification (germline): Conflicting classifications of pathogenicity. Review status: criteria provided, conflicting classifications (1 of 4 stars). 5 submissions from 5 submitters: Uncertain significance (3); Likely benign (2). Last evaluated 2025-09-19.

Conditions:
Cardiovascular phenotype. Identifiers: MedGen CN230736.
Cardiofaciocutaneous syndrome 4 (CFC4). Also called: MAP2K2-Related Cardiofaciocutaneous Syndrome. Identifiers: Orphanet 1340, MedGen C3809007, MONDO:0014114, OMIM 615280.
RASopathy. Also called: rasopathies; Noonan spectrum disorder. Identifiers: Orphanet 536391, MedGen C5555857, MONDO:0021060.

Allele frequency attached by ClinVar (database versions not stated): gnomAD 0.00003; gnomAD exomes 0.00003 and 0.00002; TOPMed 0.00003; ExAC 0.00005; 1000 Genomes Project 0.00020; 1000 Genomes Project 30x 0.00031.
gnomAD v4.1: 27 of 1,605,200 alleles (0.0017%); highest among the groups gnomAD compares: Admixed American, 0.0034%; no homozygotes.

Submissions (5):

Labcorp Genetics (formerly Invitae), Labcorp
Classification: Uncertain significance for RASopathy. Last evaluated: 2025-09-19. Review status: criteria provided, single submitter. Criteria: Invitae Variant Classification Sherloc (09022015). Collection method: clinical testing. Allele origin: germline.
Comment: This sequence change replaces serine, which is neutral and polar, with leucine, which is neutral and non-polar, at codon 295 of the MAP2K2 protein (p.Ser295Leu). This variant is present in population databases (rs531584619, gnomAD 0.006%). This variant has not been reported in the literature in individuals affected with MAP2K2-related conditions. ClinVar contains an entry for this variant (Variation ID: 40830). Invitae Evidence Modeling incorporating data from in vitro experimental studies (internal data) indicates that this missense variant is not expected to disrupt MAP2K2 function with a negative predictive value of 95%. In summary, the available evidence is currently insufficient to determine the role of this variant in disease. Therefore, it has been classified as a Variant of Uncertain Significance.

Ambry Genetics
Classification: Uncertain significance for Cardiovascular phenotype. Last evaluated: 2024-12-28. Review status: criteria provided, single submitter. Criteria: Ambry Variant Classification Scheme 2023. Collection method: clinical testing. Allele origin: germline.

Fulgent Genetics
Classification: Uncertain significance for Cardiofaciocutaneous syndrome 4. Last evaluated: 2024-03-26. Review status: criteria provided, single submitter. Criteria: ACMG Guidelines, 2015. Collection method: clinical testing. Allele origin: germline.

CeGaT Center for Human Genetics Tuebingen
Classification: Likely benign. Last evaluated: 2023-03-01. Review status: criteria provided, single submitter. Criteria: CeGaT Center For Human Genetics Tuebingen Variant Classification Criteria Version 2. Collection method: clinical testing. Allele origin: germline. Affected: yes. Observed: 1 variant allele.
Comment: MAP2K2: BP4

GeneDx
Classification: Likely benign. Last evaluated: 2020-10-02. Review status: criteria provided, single submitter. Criteria: GeneDx Variant Classification Process June 2021. Collection method: clinical testing. Allele origin: germline. Affected: yes.
Comment: Missense variants in this gene are often considered pathogenic (Stenson et al., 2014); In silico analysis supports that this missense variant does not alter protein structure/function

NM_030662.4(MAP2K2):c.884C>T (p.Ser295Leu)

Gene: MAP2K2 (mitogen-activated protein kinase kinase 2; minus strand). Cytogenetic location: 19p13.3.
Variant type: single nucleotide variant.
Coding change: c.884C>T on transcript NM_030662.4 (MANE Select); coding-DNA position 884, C replaced by T.
Protein change: p.Ser295Leu; replaces serine 295 with leucine.
Molecular consequence: missense variant.
Genome position (GRCh38, 1-based): chr19:4,099,236, G>A on the plus strand (C>T on the coding strand, the complement: MAP2K2 is on the minus strand). VCF-style: chr19-4099236-G-A. GRCh37 (hg19) VCF-style: chr19-4099234-G-A.
Other names: p.S295L:TCG>TTG; short protein forms S295L.
Identifiers: ClinVar variation 40830 (VCV000040830.34), dbSNP rs531584619, ClinGen allele CA296145.